The following is an entry in ClinVar:

ClinVar aggregate classification (germline): Uncertain significance. Review status: criteria provided, multiple submitters, no conflicts (2 of 4 stars). 2 submissions from 2 submitters: Uncertain significance (2). Last evaluated 2025-05-31.

Submissions (2):

Ambry Genetics
Classification: Uncertain significance. Last evaluated: 2025-05-31. Review status: criteria provided, single submitter. Criteria: Ambry Variant Classification Scheme 2023. Collection method: clinical testing. Allele origin: germline.
Comment: The p.V575A variant (also known as c.1724T>C), located in coding exon 8 of the RNF43 gene, results from a T to C substitution at nucleotide position 1724. The valine at codon 575 is replaced by alanine, an amino acid with similar properties. This amino acid position is conserved. In addition, this alteration is predicted to be tolerated by in silico analysis. Based on the available evidence, the clinical significance of this variant remains unclear.

Labcorp Genetics (formerly Invitae), Labcorp
Classification: Uncertain significance. Last evaluated: 2023-01-15. Review status: criteria provided, single submitter. Criteria: Invitae Variant Classification Sherloc (09022015). Collection method: clinical testing. Allele origin: germline.
Comment: In summary, the available evidence is currently insufficient to determine the role of this variant in disease. Therefore, it has been classified as a Variant of Uncertain Significance. Algorithms developed to predict the effect of missense changes on protein structure and function output the following: SIFT: "Tolerated"; PolyPhen-2: "Benign"; Align-GVGD: "Class C0". The alanine amino acid residue is found in multiple mammalian species, which suggests that this missense change does not adversely affect protein function. This variant has not been reported in the literature in individuals affected with RNF43-related conditions. This variant is not present in population databases (gnomAD no frequency). This sequence change replaces valine, which is neutral and non-polar, with alanine, which is neutral and non-polar, at codon 575 of the RNF43 protein (p.Val575Ala).

NM_017763.6(RNF43):c.1724T>C (p.Val575Ala)

Gene: RNF43 (ring finger protein 43; minus strand). Cytogenetic location: 17q22.
Variant type: single nucleotide variant.
Coding change: c.1724T>C on transcript NM_017763.6 (MANE Select); coding-DNA position 1724, T replaced by C.
Protein change: p.Val575Ala; replaces valine 575 with alanine.
Molecular consequence: missense variant.
Genome position (GRCh38, 1-based): chr17:58,358,052, A>G on the plus strand (T>C on the coding strand, the complement: RNF43 is on the minus strand). VCF-style: chr17-58358052-A-G. GRCh37 (hg19) VCF-style: chr17-56435413-A-G.
Other names: c.1724T>C, p.Val575Ala (NM_001305544.3); c.1343T>C, p.Val448Ala (NM_001305545.2); short protein forms V575A, V448A.
Identifiers: ClinVar variation 2828786 (VCV002828786.4), dbSNP rs2143402168, ClinGen allele CA400387702.